The following is an entry in ClinVar:

ClinVar aggregate classification (germline): Uncertain significance (1 of 4 stars; one submission).

Conditions:
Cardiovascular phenotype. Identifiers: MedGen CN230736.

Submission:

Ambry Genetics
Classification: Uncertain significance for Cardiovascular phenotype. Last evaluated: 2025-05-24. Review status: criteria provided, single submitter. Criteria: Ambry Variant Classification Scheme 2023. Collection method: clinical testing. Allele origin: germline.
Comment: The p.Q38R variant (also known as c.113A>G), located in coding exon 1 of the FLNC gene, results from an A to G substitution at nucleotide position 113. The glutamine at codon 38 is replaced by arginine, an amino acid with highly similar properties. This amino acid position is conserved. In addition, this alteration is predicted to be deleterious by in silico analysis. Based on the available evidence, the clinical significance of this variant remains unclear.

NM_001458.5(FLNC):c.113A>G (p.Gln38Arg)

Gene: FLNC (filamin C; plus strand). Cytogenetic location: 7q32.1.
Variant type: single nucleotide variant.
Coding change: c.113A>G on transcript NM_001458.5 (MANE Select); coding-DNA position 113, A replaced by G.
Protein change: p.Gln38Arg; replaces glutamine 38 with arginine.
Molecular consequence: missense variant.
Genome position (GRCh38, 1-based): chr7:128,830,750, A>G. VCF-style: chr7-128830750-A-G. GRCh37 (hg19) VCF-style: chr7-128470804-A-G.
Other names: c.113A>G, p.Gln38Arg (NM_001127487.2); short protein forms Q38R.
Identifiers: ClinVar variation 4025634 (VCV004025634.1).